The following is an entry in ClinVar:

NM_001105206.3(LAMA4):c.4134-74C>G

Gene: LAMA4 (laminin subunit alpha 4; minus strand). Cytogenetic location: 6q21.
Variant type: single nucleotide variant.
Coding change: c.4134-74C>G on transcript NM_001105206.3 (MANE Select); 74 bases into the intron before coding-DNA position 4134, C replaced by G.
Molecular consequence: intron variant.
Genome position (GRCh38, 1-based): chr6:112,129,149, G>C on the plus strand (C>G on the coding strand, the complement: LAMA4 is on the minus strand). VCF-style: chr6-112129149-G-C. GRCh37 (hg19) VCF-style: chr6-112450351-G-C.
Other names: c.4113-74C>G (NM_002290.5, NM_001105207.3).
Identifiers: ClinVar variation 671120 (VCV000671120.1), dbSNP rs2157550, ClinGen allele CA144886159.
Genomic context (GRCh38, chr6:112,129,149, plus strand): 5'-AGAGGAAAAAATAAATATTAAAAATATTGTTCAGAATTACATGATGAATATTATGGAAGT[G>C]AAAGAGCTTTGGCAATTAAAATGTGTGTGTGTGTGTGCATGTGTGTGTGTGTGTATGTGT-3'

ClinVar aggregate classification (germline): Benign (1 of 4 stars; one submission).

Allele frequency attached by ClinVar (database versions not stated): gnomAD exomes 0.74057; gnomAD 0.77449 and 0.77706; TOPMed 0.77935; 1000 Genomes Project 30x 0.83339; 1000 Genomes Project 0.83446.
gnomAD v4.1: 1,003,572 of 1,346,948 alleles (75%); highest among the groups gnomAD compares: East Asian, 86%; 376,966 homozygotes.

Submission:

GeneDx
Classification: Benign. Last evaluated: 2018-06-14. Review status: criteria provided, single submitter. Criteria: GeneDx Variant Classification (06012015). Collection method: clinical testing. Allele origin: germline. Affected: yes.
Comment: This variant is considered likely benign or benign based on one or more of the following criteria: it is a conservative change, it occurs at a poorly conserved position in the protein, it is predicted to be benign by multiple in silico algorithms, and/or has population frequency not consistent with disease.